The following is an entry in ClinVar:

ClinVar aggregate classification (germline): Uncertain significance. Review status: criteria provided, single submitter (1 of 4 stars). 2 submissions from 2 submitters: Uncertain significance (1). 1 of the submissions does not count toward it. Last evaluated 2025-11-03.

Conditions:
Spastic paraplegia. Identifiers: MedGen C0037772, HP:0001258.
KIF5A-related disorder. Also called: KIF5A-related disorders; KIF5A-related condition.

Allele frequency attached by ClinVar (database versions not stated): ExAC 0.00001; gnomAD 0.00001; gnomAD exomes 0.00001; TOPMed 0.00001.
gnomAD v4.1: 9 of 1,613,792 alleles (0.00056%); highest among the groups gnomAD compares: East Asian, 0.0022%; no homozygotes.

Submissions (2):

Labcorp Genetics (formerly Invitae), Labcorp
Classification: Uncertain significance for Spastic paraplegia. Last evaluated: 2025-11-03. Review status: criteria provided, single submitter. Criteria: Invitae Variant Classification Sherloc (09022015). Collection method: clinical testing. Allele origin: germline.
Comment: This sequence change replaces arginine, which is basic and polar, with tryptophan, which is neutral and slightly polar, at codon 789 of the KIF5A protein (p.Arg789Trp). This variant is present in population databases (rs781124099, gnomAD 0.004%). This variant has not been reported in the literature in individuals affected with KIF5A-related conditions. ClinVar contains an entry for this variant (Variation ID: 1418400). Invitae Evidence Modeling of protein sequence and biophysical properties (such as structural, functional, and spatial information, amino acid conservation, physicochemical variation, residue mobility, and thermodynamic stability) has been performed for this missense variant. However, the output from this modeling did not meet the statistical confidence thresholds required to predict the impact of this variant on KIF5A protein function. In summary, the available evidence is currently insufficient to determine the role of this variant in disease. Therefore, it has been classified as a Variant of Uncertain Significance.

PreventionGenetics, part of Exact Sciences
Classification: Uncertain significance for KIF5A-related condition. Last evaluated: 2023-11-27. Review status: no assertion criteria provided. Collection method: clinical testing. Allele origin: germline. Not counted in ClinVar's aggregate classification.
Comment: The KIF5A c.2365C>T variant is predicted to result in the amino acid substitution p.Arg789Trp. To our knowledge, this variant has not been reported in the literature. This variant is reported in 0.0040% of alleles in individuals of African descent in gnomAD. At this time, the clinical significance of this variant is uncertain due to the absence of conclusive functional and genetic evidence.

NM_004984.4(KIF5A):c.2365C>T (p.Arg789Trp)

Gene: KIF5A (kinesin family member 5A; plus strand). Cytogenetic location: 12q13.3.
Variant type: single nucleotide variant.
Coding change: c.2365C>T on transcript NM_004984.4 (MANE Select); coding-DNA position 2365, C replaced by T.
Protein change: p.Arg789Trp; replaces arginine 789 with tryptophan.
Molecular consequence: missense variant.
Genome position (GRCh38, 1-based): chr12:57,578,012, C>T. VCF-style: chr12-57578012-C-T. GRCh37 (hg19) VCF-style: chr12-57971795-C-T.
Other names: c.2098C>T, p.Arg700Trp (NM_001354705.2); c.2365C>T (NM_004984.2); short protein forms R700W, R789W.
Identifiers: ClinVar variation 1418400 (VCV001418400.9), dbSNP rs781124099, ClinGen allele CA6653099.